The following is an entry in ClinVar:

NM_031220.4(PITPNM3):c.681G>A (p.Pro227=)

Gene: PITPNM3 (PITPNM family member 3; minus strand). Cytogenetic location: 17p13.2.
Variant type: single nucleotide variant.
Coding change: c.681G>A on transcript NM_031220.4 (MANE Select); coding-DNA position 681, G replaced by A.
Protein change: p.Pro227=; no amino-acid change (proline 227 retained).
Molecular consequence: synonymous variant.
Genome position (GRCh38, 1-based): chr17:6,478,643, C>T on the plus strand (G>A on the coding strand, the complement: PITPNM3 is on the minus strand). VCF-style: chr17-6478643-C-T. GRCh37 (hg19) VCF-style: chr17-6381963-C-T.
Other names: c.573G>A, p.Pro191= (NM_001165966.2).
Identifiers: ClinVar variation 1131635 (VCV001131635.31), dbSNP rs145074426, ClinGen allele CA8329771.

ClinVar aggregate classification (germline): Likely benign. Review status: criteria provided, multiple submitters, no conflicts (2 of 4 stars). 3 submissions from 3 submitters: Likely benign (3). Last evaluated 2025-09-11.

Allele frequency attached by ClinVar (database versions not stated): TOPMed 0.00009; gnomAD 0.00010 and 0.00011; gnomAD exomes 0.00010; ExAC 0.00011; ESP Exome Variant Server 0.00015; 1000 Genomes Project 30x 0.00016; 1000 Genomes Project 0.00020.
gnomAD v4.1: 153 of 1,613,792 alleles (0.0095%); highest among the groups gnomAD compares: Middle Eastern, 0.016%; no homozygotes.

Submissions (3):

Labcorp Genetics (formerly Invitae), Labcorp
Classification: Likely benign. Last evaluated: 2025-09-11. Review status: criteria provided, single submitter. Criteria: Invitae Variant Classification Sherloc (09022015). Collection method: clinical testing. Allele origin: germline.

Blueprint Genetics
Classification: Likely benign. Last evaluated: 2024-11-11. Review status: criteria provided, single submitter. Criteria: ACMG Guidelines, 2015. Collection method: clinical testing. Allele origin: germline.

CeGaT Center for Human Genetics Tuebingen
Classification: Likely benign. Last evaluated: 2024-04-01. Review status: criteria provided, single submitter. Criteria: CeGaT Center For Human Genetics Tuebingen Variant Classification Criteria Version 2. Collection method: clinical testing. Allele origin: germline. Affected: yes. Observed: 1 variant allele.
Comment: PITPNM3: BP4, BP7